The following is an entry in ClinVar:

NM_017780.4(CHD7):c.7262T>C (p.Met2421Thr)

Gene: CHD7 (chromodomain helicase DNA binding protein 7; plus strand). Cytogenetic location: 8q12.2.
Variant type: single nucleotide variant.
Coding change: c.7262T>C on transcript NM_017780.4 (MANE Select); coding-DNA position 7262, T replaced by C.
Protein change: p.Met2421Thr; replaces methionine 2421 with threonine.
Molecular consequence: missense variant. On other transcripts: intron variant (1).
Genome position (GRCh38, 1-based): chr8:60,856,542, T>C. VCF-style: chr8-60856542-T-C. GRCh37 (hg19) VCF-style: chr8-61769101-T-C.
Other names: c.1717-5687T>C (NM_001316690.1); short protein forms M2421T.
Identifiers: ClinVar variation 2310960 (VCV002310960.3), dbSNP rs1434214027, ClinGen allele CA371300372.

ClinVar aggregate classification (germline): Uncertain significance. Review status: criteria provided, multiple submitters, no conflicts (2 of 4 stars). 2 submissions from 2 submitters: Uncertain significance (2). Last evaluated 2023-07-21.

Conditions:
Inborn genetic diseases. Identifiers: MedGen C0950123, MeSH D030342.

Allele frequency attached by ClinVar (database versions not stated): gnomAD 0.00001; TOPMed 0.00001.
gnomAD v4.1: 7 of 1,613,802 alleles (0.00043%); highest among the groups gnomAD compares: East Asian, 0.0089%; no homozygotes.

Submissions (2):

GeneDx
Classification: Uncertain significance. Last evaluated: 2023-07-21. Review status: criteria provided, single submitter. Criteria: GeneDx Variant Classification Process June 2021. Collection method: clinical testing. Allele origin: germline. Affected: yes.
Comment: Not observed at significant frequency in large population cohorts (gnomAD); In silico analysis supports that this missense variant does not alter protein structure/function; Has not been previously published as pathogenic or benign to our knowledge

Ambry Genetics
Classification: Uncertain significance for Inborn genetic diseases. Last evaluated: 2022-09-07. Review status: criteria provided, single submitter. Criteria: Ambry Variant Classification Scheme 2023. Collection method: clinical testing. Allele origin: germline.